The following is an entry in ClinVar:

NM_005378.6(MYCN):c.1178G>A (p.Arg393His)

Gene: MYCN (MYCN proto-oncogene, bHLH transcription factor; plus strand). Cytogenetic location: 2p24.3.
Variant type: single nucleotide variant.
Coding change: c.1178G>A on transcript NM_005378.6 (MANE Select); coding-DNA position 1178, G replaced by A.
Protein change: p.Arg393His; replaces arginine 393 with histidine.
Molecular consequence: missense variant. On other transcripts: 3 prime UTR variant (1).
Genome position (GRCh38, 1-based): chr2:15,945,880, G>A. VCF-style: chr2-15945880-G-A. GRCh37 (hg19) VCF-style: chr2-16086002-G-A.
Other names: c.1178G>A, p.Arg393His (NM_001293228.2); c.545G>A, p.Arg182His (NM_001293231.2); c.*1113G>A (NM_001293233.2); short protein forms R393H, R182H.
Identifiers: ClinVar variation 13892 (VCV000013892.12), dbSNP rs104893646, ClinGen allele CA257009.

ClinVar aggregate classification (germline): Pathogenic. Review status: criteria provided, multiple submitters, no conflicts (2 of 4 stars). 6 submissions from 6 submitters: Pathogenic (3). 3 of the submissions do not count toward it. Last evaluated 2024-11-26.

Conditions:
Feingold syndrome. Identifiers: Orphanet 1305, MedGen C0796068, MONDO:0015267.
Feingold syndrome type 1 (FGLDS1). Also called: OCULODIGITOESOPHAGODUODENAL SYNDROME; ODED SYNDROME; MICROCEPHALY AND DIGITAL ABNORMALITIES WITH NORMAL INTELLIGENCE; MICROCEPHALY, MENTAL RETARDATION, AND TRACHEOESOPHAGEAL FISTULA SYNDROME; MICROCEPHALY-OCULO-DIGITO-ESOPHAGEAL-DUODENAL SYNDROME. Identifiers: Orphanet 1305, Orphanet 391641, MedGen C4551774, MONDO:0008115, OMIM 164280.

Submissions (6):

3billion
Classification: Pathogenic for Feingold syndrome type 1. Last evaluated: 2024-11-26. Review status: criteria provided, single submitter. Criteria: ACMG Guidelines, 2015. Collection method: clinical testing. Allele origin: germline. Affected: yes.
Comment: The variant is not observed in the gnomAD v4.1.0 dataset. Predicted Consequence/Location: Missense variant. The majority of the known disease-causing variants of this gene are variants expected to result in premature termination of the protein. In silico tool predictions suggest damaging effect of the variant on gene or gene product [REVEL: 0.97 (>=0.6, sensitivity 0.68 and specificity 0.92); 3Cnet: 0.95 (>=0.6, sensitivity 0.72 and precision 0.9)]. The same nucleotide change resulting in the same amino acid change has been previously reported as pathogenic/likely pathogenic with strong evidence (ClinVar ID: VCV000013892 /PMID: 15821734). The variant has been observed in at least two similarly affected unrelated individuals (PMID: 18470948). Different missense changes at the same codon (p.Arg393Cys, p.Arg393Ser) have been reported as pathogenic/likely pathogenic with strong evidence (ClinVar ID: VCV000013893, VCV000985302 /PMID: 15821734, 21224895). Therefore, this variant is classified as Pathogenic according to the recommendation of ACMG/AMP guideline.

Institute of Medical Genetics and Applied Genomics, University Hospital Tübingen
Classification: Pathogenic for Feingold syndrome type 1. Last evaluated: 2024-08-29. Review status: criteria provided, single submitter. Criteria: ACMG Guidelines, 2015. Collection method: clinical testing. Allele origin: germline. Affected: yes.

GeneDx
Classification: Pathogenic. Last evaluated: 2024-06-03. Review status: criteria provided, single submitter. Criteria: GeneDx Variant Classification Process June 2021. Collection method: clinical testing. Allele origin: germline. Affected: yes.
Comment: Not observed at significant frequency in large population cohorts (gnomAD); In silico analysis supports that this missense variant has a deleterious effect on protein structure/function; This variant is associated with the following publications: (PMID: 18470948, 30655312, 15821734, 20301770, 30577886)

Yale Center for Mendelian Genomics, Yale University
Classification: Likely pathogenic for Feingold syndrome. Last evaluated: 2019-01-17. Review status: no assertion criteria provided. Collection method: literature only. Allele origin: germline. Affected: yes. Observed: 1 heterozygote. Study: Yale Center for Mendelian Genomics. Not counted in ClinVar's aggregate classification.

OMIM
Classification: Pathogenic for FEINGOLD SYNDROME 1. Last evaluated: 2005-05-01. Review status: no assertion criteria provided. Collection method: literature only. Allele origin: germline. Not counted in ClinVar's aggregate classification.

GeneReviews
No classification provided. Condition: Feingold syndrome type 1. Review status: no classification provided. Collection method: literature only. Allele origin: germline. Not counted in ClinVar's aggregate classification.

Literature cited by the submitters: PubMed 15821734 (cited by 3billion and OMIM); PubMed 18470948 (cited by 3billion and GeneReviews); PubMed 30655312 (cited by Yale Center for Mendelian Genomics, Yale University); PubMed 20301770 (cited by GeneReviews).